The following is an entry in ClinVar:

NM_000128.4(F11):c.55+1del

Gene: F11 (coagulation factor XI; plus strand). Cytogenetic location: 4q35.2.
Variant type: Deletion.
Coding change: c.55+1del on transcript NM_000128.4 (MANE Select); the canonical splice donor site of the intron after coding-DNA position 55, one base deleted (G; older notation c.55+1delG).
Molecular consequence: splice donor variant.
Genome position (GRCh38, 1-based): chr4:186,267,192, G deleted; the last of 2 consecutive G bases (chr4:186,267,191-186,267,192); deleting either gives the same sequence. VCF-style (leftmost placement, unchanged base first): chr4-186267190-TG-T. GRCh37 (hg19) VCF-style: chr4-187188344-TG-T.
Other names: c.55+1del (NM_001354804.2).
Identifiers: ClinVar variation 2188764 (VCV002188764.4), dbSNP rs1191677538, ClinGen allele CA792349159.

ClinVar aggregate classification (germline): Pathogenic (1 of 4 stars; one submission).

Submission:

Labcorp Genetics (formerly Invitae), Labcorp
Classification: Pathogenic. Last evaluated: 2021-12-23. Review status: criteria provided, single submitter. Criteria: Invitae Variant Classification Sherloc (09022015). Collection method: clinical testing. Allele origin: germline.
Comment: Algorithms developed to predict the effect of sequence changes on RNA splicing suggest that this variant may disrupt the consensus splice site. This variant is also known as c.55+1del. This variant has not been reported in the literature in individuals affected with F11-related conditions. This variant is not present in population databases (gnomAD no frequency). This sequence change creates a premature translational stop signal (p.Glu19Asnfs*3) in the F11 gene. It is expected to result in an absent or disrupted protein product. Loss-of-function variants in F11 are known to be pathogenic (PMID: 23929304). For these reasons, this variant has been classified as Pathogenic.

Literature cited by the submitters: PubMed 23929304.